The following is an entry in ClinVar:

NM_006269.2(RP1):c.2272del (p.His758fs)

Gene: RP1 (RP1 axonemal microtubule associated; plus strand). Cytogenetic location: 8q12.1.
Variant type: Deletion.
Coding change: c.2272del on transcript NM_006269.2 (MANE Select); coding-DNA position 2272, one base deleted (C; older notation c.2272delC).
Protein change: p.His758fs; shifts the reading frame from histidine 758.
Molecular consequence: frameshift variant. On other transcripts: intron variant (1).
Genome position (GRCh38, 1-based): chr8:54,626,154, C deleted; the last of 2 consecutive C bases (chr8:54,626,153-54,626,154); deleting either gives the same sequence. VCF-style (leftmost placement, unchanged base first): chr8-54626152-TC-T. GRCh37 (hg19) VCF-style: chr8-55538712-TC-T.
Other names: c.787+3866del (NM_001375654.1); short protein forms H758fs.
Identifiers: ClinVar variation 1450321 (VCV001450321.6), dbSNP rs2129316517, ClinGen allele CA2573143221.
Genomic context (GRCh38, chr8:54,626,152, plus strand): 5'-TAATTGAATCAAATACTTTTTGTTCCAAAAGTAATCTCAATTCCACGATTTCCAAGAATT[TC>T]CATAGAAATAAATTAAATACTACTCAAAATTCCAAGGTTCAAGGACTTTTAACCAAAAGA-3'

ClinVar aggregate classification (germline): Pathogenic (1 of 4 stars; one submission).

Submission:

Labcorp Genetics (formerly Invitae), Labcorp
Classification: Pathogenic. Last evaluated: 2024-02-27. Review status: criteria provided, single submitter. Criteria: Invitae Variant Classification Sherloc (09022015). Collection method: clinical testing. Allele origin: germline.
Comment: This sequence change creates a premature translational stop signal (p.His758Ilefs*5) in the RP1 gene. While this is not anticipated to result in nonsense mediated decay, it is expected to disrupt the last 1399 amino acid(s) of the RP1 protein. This variant is not present in population databases (gnomAD no frequency). This premature translational stop signal has been observed in individual(s) with retinitis pigmentosa (Invitae). ClinVar contains an entry for this variant (Variation ID: 1450321). This variant disrupts the C-terminus of the RP1 protein. Many variants that disrupt this region have been reported in individuals with either autosomal dominant or autosomal recessive retinitis pigmentosa (PMID: 11527933, 19933189, 29425069, 30027431, 33681214). Therefore, variants that disrupt this region are expected to be disease-causing. For these reasons, this variant has been classified as Pathogenic.

Literature cited by the submitters: PubMed 11527933; PubMed 19933189; PubMed 29425069; PubMed 30027431; PubMed 33681214.